The following is an entry in ClinVar:

NM_000152.5(GAA):c.1240T>C (p.Phe414Leu)

Gene: GAA (alpha glucosidase; plus strand). Cytogenetic location: 17q25.3.
Variant type: single nucleotide variant.
Coding change: c.1240T>C on transcript NM_000152.5 (MANE Select); coding-DNA position 1240, T replaced by C.
Protein change: p.Phe414Leu; replaces phenylalanine 414 with leucine.
Molecular consequence: missense variant.
Genome position (GRCh38, 1-based): chr17:80,108,742, T>C. VCF-style: chr17-80108742-T-C. GRCh37 (hg19) VCF-style: chr17-78082541-T-C.
Other names: c.1240T>C, p.Phe414Leu (NM_001079803.3, NM_001079804.3); short protein forms F414L.
Identifiers: ClinVar variation 283455 (VCV000283455.14), dbSNP rs886042630, ClinGen allele CA10604498.

ClinVar aggregate classification (germline): Uncertain significance. Review status: criteria provided, multiple submitters, no conflicts (2 of 4 stars). 3 submissions from 3 submitters: Uncertain significance (3). Last evaluated 2026-07-01.

Conditions:
Glycogen storage disease, type II (IOPD). Also called: CARDIOMEGALIA GLYCOGENICA DIFFUSA; GLYCOGEN STORAGE DISEASE II, INFANTILE-ONSET; POMPE DISEASE, INFANTILE-ONSET; ACID ALPHA-GLUCOSIDASE DEFICIENCY, INFANTILE-ONSET; GAA DEFICIENCY, INFANTILE-ONSET; ACID MALTASE DEFICIENCY, INFANTILE-ONSET. Identifiers: Orphanet 365, MedGen C0017921, MONDO:0009290, OMIM 232300.

Submissions (3):

Genomenon, Inc
Classification: Uncertain significance for Glycogen storage disease, type II. Last evaluated: 2026-07-01. Review status: criteria provided, single submitter. Criteria: Genomenon Sequence Variant Interpretation Standards - Updated. Collection method: curation. Allele origin: germline.
Comment: GAA p.Phe414Leu (c.1240T>C) is a missense variant that changes the amino acid at codon 414 from Phenylalanine to Leucine. This variant has been reported in the compound heterozygous and/or homozygous state in at least one individual without a confirmed diagnosis of Pompe disease (PMID:30564623). It is absent or not present at a significant frequency in gnomAD. In silico models predict that this variant is possibly or probably damaging. In conclusion, we classify GAA p.Phe414Leu (c.1240T>C) as a variant of uncertain significance.

Labcorp Genetics (formerly Invitae), Labcorp
Classification: Uncertain significance for Glycogen storage disease, type II. Last evaluated: 2022-07-12. Review status: criteria provided, single submitter. Criteria: Invitae Variant Classification Sherloc (09022015). Collection method: clinical testing. Allele origin: germline.
Comment: This variant is not present in population databases (gnomAD no frequency). This sequence change replaces phenylalanine, which is neutral and non-polar, with leucine, which is neutral and non-polar, at codon 414 of the GAA protein (p.Phe414Leu). This missense change has been observed in individual(s) with late onset Pompe disease (PMID: 30564623, 31342611). ClinVar contains an entry for this variant (Variation ID: 283455). Advanced modeling of protein sequence and biophysical properties (such as structural, functional, and spatial information, amino acid conservation, physicochemical variation, residue mobility, and thermodynamic stability) performed at Invitae indicates that this missense variant is expected to disrupt GAA protein function. In summary, the available evidence is currently insufficient to determine the role of this variant in disease. Therefore, it has been classified as a Variant of Uncertain Significance.

Eurofins Ntd Llc (ga)
Classification: Uncertain significance. Last evaluated: 2015-09-22. Review status: criteria provided, single submitter. Criteria: EGL Classification Definitions 2015. Collection method: clinical testing. Allele origin: germline. Observed: 1 variant allele, 1 heterozygote.

Literature cited by the submitters: PubMed 30564623 (cited by Genomenon, Inc and Labcorp Genetics (formerly Invitae), Labcorp); PubMed 31342611 (cited by Labcorp Genetics (formerly Invitae), Labcorp).